The following is an entry in ClinVar:

NM_000525.4(KCNJ11):c.685G>A (p.Glu229Lys)

Gene: KCNJ11 (potassium inwardly rectifying channel subfamily J member 11; minus strand). Cytogenetic location: 11p15.1.
Variant type: single nucleotide variant.
Coding change: c.685G>A on transcript NM_000525.4 (MANE Select); coding-DNA position 685, G replaced by A.
Protein change: p.Glu229Lys; replaces glutamic acid 229 with lysine.
Molecular consequence: missense variant.
Genome position (GRCh38, 1-based): chr11:17,387,407, C>T on the plus strand (G>A on the coding strand, the complement: KCNJ11 is on the minus strand). VCF-style: chr11-17387407-C-T. GRCh37 (hg19) VCF-style: chr11-17408954-C-T.
Other names: c.424G>A, p.Glu142Lys (NM_001166290.2, NM_001377296.1, NM_001377297.1); short protein forms E229K, E142K.
Identifiers: ClinVar variation 158683 (VCV000158683.13), dbSNP rs587783673, ClinGen allele CA172342.

ClinVar aggregate classification (germline): Pathogenic/Likely pathogenic/Likely risk allele. Review status: criteria provided, multiple submitters, no conflicts (2 of 4 stars). 7 submissions from 7 submitters: Pathogenic (5); Likely pathogenic (1); Likely risk allele (1). Last evaluated 2026-04-01.

Conditions:
Diabetes mellitus, permanent neonatal 2. Also called: KCNJ11-Related Permanent Neonatal Diabetes Mellitus. Identifiers: MedGen C5394296, MONDO:0030087, OMIM 618856.
KCNJ11-related disorder. Also called: KCNJ11-related disorders; KCNJ11-related condition.
Diabetes mellitus. Also called: Diabetes mellitus (disease). Identifiers: MedGen C0011849, MONDO:0005015, HP:0000819.
Diabetes mellitus, transient neonatal, 3 (TNDM3). Identifiers: Orphanet 99886, MedGen C1864623, MONDO:0012522, OMIM 610582. Disease mechanism: loss of function.
Type 2 diabetes mellitus. Also called: Type II diabetes mellitus. Identifiers: MedGen C0011860, MeSH D003924, MONDO:0005148, OMIM 125853, HP:0005978.

Submissions (7):

GeneDx
Classification: Pathogenic. Last evaluated: 2026-04-01. Review status: criteria provided, single submitter. Criteria: GeneDx Variant Classification Process June 2021. Collection method: clinical testing. Allele origin: germline.
Comment: Published functional studies demonstrate a damaging effect resulting in reduced channel ATP sensitivity (PMID: 17021801); Not observed at significant frequency in large population cohorts (gnomAD); In silico analysis supports that this missense variant has a deleterious effect on protein structure/function; This variant is associated with the following publications: (PMID: 18559200, 33852230, 17327377, 26839896, 22619292, 28766502, 23462667, 32418263, 32041611, 34789499, 36181023, 28350539, 34566892, 32792356, 36504295, 17021801, 37296241)

Labcorp Genetics (formerly Invitae), Labcorp
Classification: Pathogenic. Last evaluated: 2025-12-01. Review status: criteria provided, single submitter. Criteria: Invitae Variant Classification Sherloc (09022015). Collection method: clinical testing. Allele origin: germline.
Comment: This sequence change replaces glutamic acid, which is acidic and polar, with lysine, which is basic and polar, at codon 229 of the KCNJ11 protein (p.Glu229Lys). This variant is not present in population databases (gnomAD no frequency). This missense change has been observed in individual(s) with autosomal dominant transient neonatal diabetes mellitus and/or clinical features of KCNJ11-related conditions (PMID: 17327377, 18559200, 22619292, 23462667, 26839896, 28350539, 28766502, 32418263, 32792356, 33852230, 34566892). In at least one individual the variant was observed to be de novo. ClinVar contains an entry for this variant (Variation ID: 158683). Invitae Evidence Modeling of protein sequence and biophysical properties (such as structural, functional, and spatial information, amino acid conservation, physicochemical variation, residue mobility, and thermodynamic stability) indicates that this missense variant is expected to disrupt KCNJ11 protein function with a positive predictive value of 95%. Experimental studies have shown that this missense change affects KCNJ11 function (PMID: 17021801). For these reasons, this variant has been classified as Pathogenic.

Blueprint Genetics
Classification: Pathogenic for KCNJ11-related disorders. Last evaluated: 2024-06-27. Review status: criteria provided, single submitter. Criteria: ACMG Guidelines, 2015. Collection method: clinical testing. Allele origin: germline. Affected: yes. Observed: 2 variant alleles.

Department of Human Genetics, Hannover Medical School
Classification: Likely pathogenic for Diabetes mellitus, transient neonatal, 3. Last evaluated: 2023-11-13. Review status: criteria provided, single submitter. Criteria: ACMG Guidelines, 2015. Collection method: clinical testing. Allele origin: germline. Inheritance: Autosomal dominant inheritance. Affected: yes.

Genetic Services Laboratory, University of Chicago
Classification: Pathogenic for Diabetes mellitus. Last evaluated: 2014-04-28. Review status: criteria provided, single submitter. Criteria: ACMG Guidelines, 2007. Collection method: clinical testing. Allele origin: germline. Inheritance: Autosomal unknown. Affected: yes.

Clinical Genomics, Uppaluri K&H Personalized Medicine Clinic
Classification: Likely risk allele for Type 2 diabetes mellitus. Review status: criteria provided, single submitter. Criteria: K&H Uppaluri Personalized Medicine Clinic Variant Classification & Assertion Criteria. Collection method: research. Allele origin: somatic. Inheritance: Autosomal dominant inheritance. Affected: yes.
Comment: Mutations in KCNJ11 gene can cause decreased production and secretion of insulin. This can lead to MODY which may be responsive to oral sulfonylureas. rs587783673 (p.Glu229Lys) of KCNJ11 is specifically associated with Neonatal Diabetes Mellitus.

Neuberg Centre For Genomic Medicine, NCGM
Classification: Pathogenic for Diabetes mellitus, permanent neonatal 2. Review status: criteria provided, single submitter. Criteria: ACMG Guidelines, 2015. Collection method: clinical testing. Allele origin: germline. Inheritance: Autosomal dominant inheritance. Affected: yes.
Comment: The missense variant c.685G>A (p.Glu229Lys) in KCNJ11 gene has been reported in literature with nenontal diabetes mellitus (Orío Hernández M et.al.,2008). Functional studies for this variant has been done(Girard CA et.al.,2006). The variant has been reported to the ClinVar database as Pathogenic. The p.Glu229Lys variant is novel (not in any individuals) in gnomAD Exomes and 1000 Genomes. The amino acid Glu at position 229 is changed to a Lys changing protein sequence and it might alter its composition and physico-chemical properties. The variant is predicted to be damaging by both SIFT and PolyPhen2. The residue is conserved across species. The amino acid change p.Glu229Lys in KCNJ11 is predicted as conserved by GERP++ and PhyloP across 100 vertebrates. For these reasons, this variant has been classified as Pathogenic

Literature cited by the submitters: PubMed 17327377 (cited by Labcorp Genetics (formerly Invitae), Labcorp); PubMed 18559200 (cited by Labcorp Genetics (formerly Invitae), Labcorp); PubMed 22619292 (cited by Labcorp Genetics (formerly Invitae), Labcorp); PubMed 23462667 (cited by Labcorp Genetics (formerly Invitae), Labcorp); PubMed 26839896 (cited by Labcorp Genetics (formerly Invitae), Labcorp and Clinical Genomics, Uppaluri K&H Personalized Medicine Clinic); PubMed 28350539 (cited by Labcorp Genetics (formerly Invitae), Labcorp); PubMed 28766502 (cited by Labcorp Genetics (formerly Invitae), Labcorp and Clinical Genomics, Uppaluri K&H Personalized Medicine Clinic); PubMed 32418263 (cited by Labcorp Genetics (formerly Invitae), Labcorp); PubMed 32792356 (cited by Labcorp Genetics (formerly Invitae), Labcorp); PubMed 33852230 (cited by Labcorp Genetics (formerly Invitae), Labcorp); PubMed 34566892 (cited by Labcorp Genetics (formerly Invitae), Labcorp); PubMed 17021801 (cited by Labcorp Genetics (formerly Invitae), Labcorp).